The following is an entry in ClinVar:

ClinVar aggregate classification (germline): Pathogenic. Review status: criteria provided, multiple submitters, no conflicts (2 of 4 stars). 3 submissions from 3 submitters: Pathogenic (3). Last evaluated 2023-06-14.

Conditions:
Hereditary cancer-predisposing syndrome. Also called: Tumor predisposition; Hereditary neoplastic syndrome; Neoplastic Syndromes, Hereditary; Hereditary Cancer Syndrome. Identifiers: Orphanet 140162, MedGen C0027672, MeSH D009386, MONDO:0015356.
Hereditary diffuse gastric adenocarcinoma (HDGC). Also called: DIFFUSE GASTRIC AND LOBULAR BREAST CANCER SYNDROME. Identifiers: Orphanet 26106, MedGen C1708349, MONDO:0007648, OMIM 137215.

Submissions (3):

Myriad Genetics, Inc.
Classification: Pathogenic for Hereditary diffuse gastric adenocarcinoma. Last evaluated: 2023-06-14. Review status: criteria provided, single submitter. Criteria: Myriad Autosomal Dominant, Autosomal Recessive and X-Linked Classification Criteria (2023). Collection method: clinical testing. Allele origin: unknown.
Comment: This variant is considered pathogenic. This variant creates a frameshift predicted to result in premature protein truncation.

Labcorp Genetics (formerly Invitae), Labcorp
Classification: Pathogenic for Hereditary diffuse gastric adenocarcinoma. Last evaluated: 2021-12-24. Review status: criteria provided, single submitter. Criteria: Invitae Variant Classification Sherloc (09022015). Collection method: clinical testing. Allele origin: germline.
Comment: This sequence change creates a premature translational stop signal (p.Asn570Lysfs*14) in the CDH1 gene. It is expected to result in an absent or disrupted protein product. Loss-of-function variants in CDH1 are known to be pathogenic (PMID: 15235021, 20373070). This variant is not present in population databases (gnomAD no frequency). This premature translational stop signal has been observed in individual(s) with diffuse gastric cancer (PMID: 11968084). ClinVar contains an entry for this variant (Variation ID: 926514). For these reasons, this variant has been classified as Pathogenic.

Color Diagnostics, LLC DBA Color Health
Classification: Pathogenic for Hereditary cancer-predisposing syndrome. Last evaluated: 2020-09-20. Review status: criteria provided, single submitter. Criteria: ACMG Guidelines, 2015. Collection method: clinical testing. Allele origin: germline.
Comment: This variant deletes 1 nucleotide in exon 11 of the CDH1 gene, creating a premature translation stop signal. This variant is expected to result in an absent or non-functional protein product. To our knowledge, functional studies have not been reported for this variant. This variant has been reported in two related individuals affected with diffuse gastric cancer (PMID: 11968084). This variant has not been identified in the general population by the Genome Aggregation Database (gnomAD). Loss of CDH1 function is a known mechanism of disease. Based on the available evidence, this variant is classified as Pathogenic.

Literature cited by the submitters: PubMed 15235021 (cited by Labcorp Genetics (formerly Invitae), Labcorp); PubMed 20373070 (cited by Labcorp Genetics (formerly Invitae), Labcorp); PubMed 11968084 (cited by Labcorp Genetics (formerly Invitae), Labcorp).

NM_004360.5(CDH1):c.1710del (p.Asn570fs)

Gene: CDH1 (cadherin 1; plus strand). Cytogenetic location: 16q22.1.
Variant type: Deletion.
Coding change: c.1710del on transcript NM_004360.5 (MANE Select); coding-DNA position 1710, one base deleted (T; older notation c.1710delT).
Protein change: p.Asn570fs; shifts the reading frame from asparagine 570.
Molecular consequence: frameshift variant. On other transcripts: intron variant (1).
Genome position (GRCh38, 1-based): chr16:68,819,424, T deleted. VCF-style (leftmost placement, unchanged base first): chr16-68819423-AT-A. GRCh37 (hg19) VCF-style: chr16-68853326-AT-A.
Other names: c.1527del, p.Asn509fs (NM_001317184.2); c.162del, p.Asn54fs (NM_001317185.2); c.-254-2577del (NM_001317186.2); short protein forms N509fs, N54fs, N570fs.
Identifiers: ClinVar variation 926514 (VCV000926514.14), dbSNP rs1961081411, ClinGen allele CA1139664763.